The following is an entry in ClinVar:

NM_032444.4(SLX4):c.5154-3C>T

Gene: SLX4 (SLX4 structure-specific endonuclease subunit; minus strand). Cytogenetic location: 16p13.3.
Variant type: single nucleotide variant.
Coding change: c.5154-3C>T on transcript NM_032444.4 (MANE Select); 3 bases into the intron before coding-DNA position 5154, C replaced by T.
Molecular consequence: intron variant.
Genome position (GRCh38, 1-based): chr16:3,582,696, G>A on the plus strand (C>T on the coding strand, the complement: SLX4 is on the minus strand). VCF-style: chr16-3582696-G-A. GRCh37 (hg19) VCF-style: chr16-3632697-G-A.
Other names: NC_000016.9:g.3632697G>A.
Identifiers: ClinVar variation 4411733 (VCV004411733.2).

ClinVar aggregate classification (germline): Uncertain significance (1 of 4 stars; one submission).

Conditions:
Fanconi anemia (FA). Also called: Fanconi's anemia. Identifiers: Orphanet 84, MedGen C0015625, MeSH D005199, MONDO:0019391.

gnomAD v4.1: 4 of 1,610,276 alleles (0.00025%); highest among the groups gnomAD compares: Non-Finnish European, 0.00017%; no homozygotes.

Submissions (2):

Labcorp Genetics (formerly Invitae), Labcorp
Classification: Uncertain significance for Fanconi anemia. Last evaluated: 2026-01-27. Review status: criteria provided, single submitter. Criteria: Invitae Variant Classification Sherloc (09022015). Collection method: clinical testing. Allele origin: germline.
Comment: This sequence change falls in intron 14 of the SLX4 gene. It does not directly change the encoded amino acid sequence of the SLX4 protein. It affects a nucleotide within the consensus splice site. This variant is present in population databases (rs769895320, gnomAD 0.002%). This variant has not been reported in the literature in individuals affected with SLX4-related conditions. Variants that disrupt the consensus splice site are a relatively common cause of aberrant splicing (PMID: 17576681, 9536098). Algorithms developed to predict the effect of sequence changes on RNA splicing suggest that this variant is not likely to affect RNA splicing. In summary, the available evidence is currently insufficient to determine the role of this variant in disease. Therefore, it has been classified as a Variant of Uncertain Significance.

Dr. Peter K. Rogan Lab, Western University
No classification provided (evidence only). Condition: Melanoma. Review status: no classification provided. Collection method: in vitro. Allele origin: not applicable. Functional consequence: retained intron. Not counted in ClinVar's aggregate classification.

Literature cited by the submitters: PubMed 17576681 (cited by Labcorp Genetics (formerly Invitae), Labcorp); PubMed 9536098 (cited by Labcorp Genetics (formerly Invitae), Labcorp).